The following is an entry in ClinVar:

ClinVar aggregate classification (germline): Uncertain significance (1 of 4 stars; one submission).

Allele frequency attached by ClinVar (database versions not stated): 1000 Genomes Project 30x 0.00016; 1000 Genomes Project 0.00020; gnomAD 0.00002; TOPMed 0.00002; ExAC 0.00003; ESP Exome Variant Server 0.00008.
gnomAD v4.1: 28 of 1,612,768 alleles (0.0017%); highest among the groups gnomAD compares: South Asian, 0.015%; 1 homozygote.

Submission:

Labcorp Genetics (formerly Invitae), Labcorp
Classification: Uncertain significance. Last evaluated: 2025-12-08. Review status: criteria provided, single submitter. Criteria: Invitae Variant Classification Sherloc (09022015). Collection method: clinical testing. Allele origin: germline.
Comment: This sequence change replaces arginine, which is basic and polar, with cysteine, which is neutral and slightly polar, at codon 255 of the NSUN3 protein (p.Arg255Cys). This variant is present in population databases (rs371870611, gnomAD 0.007%). This variant has not been reported in the literature in individuals affected with NSUN3-related conditions. ClinVar contains an entry for this variant (Variation ID: 2920295). An algorithm developed to predict the effect of missense changes on protein structure and function outputs the following: PolyPhen-2: "Benign". The cysteine amino acid residue is found in multiple mammalian species, which suggests that this missense change does not adversely affect protein function. In summary, the available evidence is currently insufficient to determine the role of this variant in disease. Therefore, it has been classified as a Variant of Uncertain Significance.

NM_022072.5(NSUN3):c.763C>T (p.Arg255Cys)

Gene: NSUN3 (NOP2/Sun RNA methyltransferase 3; plus strand). Cytogenetic location: 3q11.2.
Variant type: single nucleotide variant.
Coding change: c.763C>T on transcript NM_022072.5 (MANE Select); coding-DNA position 763, C replaced by T.
Protein change: p.Arg255Cys; replaces arginine 255 with cysteine.
Molecular consequence: missense variant.
Genome position (GRCh38, 1-based): chr3:94,126,230, C>T. VCF-style: chr3-94126230-C-T. GRCh37 (hg19) VCF-style: chr3-93845074-C-T.
Other names: short protein forms R255C.
Identifiers: ClinVar variation 2920295 (VCV002920295.3), dbSNP rs371870611, ClinGen allele CA2504794.